The following is an entry in ClinVar:

ClinVar aggregate classification (germline): Uncertain significance (1 of 4 stars; one submission).

Conditions:
Retinitis pigmentosa 12 (RP12). Also called: RP WITH OR WITHOUT PPRPE; RP WITH OR WITHOUT PRESERVED PARAARTERIOLE RETINAL PIGMENT EPITHELIUM; RETINITIS PIGMENTOSA WITH OR WITHOUT PARAARTERIOLAR PRESERVATION OF RETINAL PIGMENT EPITHELIUM. Identifiers: Orphanet 791, MedGen C1838647, MONDO:0010818, OMIM 600105.
Leber congenital amaurosis 8 (LCA8). Identifiers: Orphanet 65, MedGen C3151202, MONDO:0013453, OMIM 613835.

Allele frequency attached by ClinVar (database versions not stated): gnomAD exomes below 0.00001; ExAC 0.00001.
gnomAD v4.1: 1 of 1,614,120 alleles (0.000062%); highest among the groups gnomAD compares: Non-Finnish European, 0.000085%; no homozygotes.

Submission:

Labcorp Genetics (formerly Invitae), Labcorp
Classification: Uncertain significance for Leber congenital amaurosis 8; Retinitis pigmentosa 12. Last evaluated: 2022-10-17. Review status: criteria provided, single submitter. Criteria: Invitae Variant Classification Sherloc (09022015). Collection method: clinical testing. Allele origin: germline.
Comment: This sequence change replaces glycine, which is neutral and non-polar, with alanine, which is neutral and non-polar, at codon 1310 of the CRB1 protein (p.Gly1310Ala). This variant is present in population databases (rs778373995, gnomAD 0.0009%). This variant has not been reported in the literature in individuals affected with CRB1-related conditions. ClinVar contains an entry for this variant (Variation ID: 1435025). Algorithms developed to predict the effect of missense changes on protein structure and function (SIFT, PolyPhen-2, Align-GVGD) all suggest that this variant is likely to be disruptive. In summary, the available evidence is currently insufficient to determine the role of this variant in disease. Therefore, it has been classified as a Variant of Uncertain Significance.

NM_201253.3(CRB1):c.3929G>C (p.Gly1310Ala)

Gene: CRB1 (crumbs cell polarity complex component 1; plus strand). Cytogenetic location: 1q31.3.
Variant type: single nucleotide variant.
Coding change: c.3929G>C on transcript NM_201253.3 (MANE Select); coding-DNA position 3929, G replaced by C.
Protein change: p.Gly1310Ala; replaces glycine 1310 with alanine.
Molecular consequence: missense variant. On other transcripts: non-coding transcript variant (2).
Genome position (GRCh38, 1-based): chr1:197,442,216, G>C. VCF-style: chr1-197442216-G-C. GRCh37 (hg19) VCF-style: chr1-197411346-G-C.
Other names: c.3593G>C, p.Gly1198Ala (NM_001193640.2); c.3857G>C, p.Gly1286Ala (NM_001257965.2); c.2321G>C, p.Gly774Ala (NM_001257966.2); short protein forms G1286A, G1198A, G1310A, G774A.
Identifiers: ClinVar variation 1435025 (VCV001435025.5), dbSNP rs778373995, ClinGen allele CA1312446.